The following is an entry in ClinVar:

ClinVar aggregate classification (germline): Uncertain significance. Review status: criteria provided, multiple submitters, no conflicts (2 of 4 stars). 2 submissions from 2 submitters: Uncertain significance (2). Last evaluated 2025-10-13.

Conditions:
CFAP410-related disorder. Also called: CFAP410-related condition.

Allele frequency attached by ClinVar (database versions not stated): gnomAD 0.00001; ExAC 0.00002; gnomAD exomes 0.00002 and 0.00003; TOPMed 0.00002.
gnomAD v4.1: 30 of 1,610,002 alleles (0.0019%); highest among the groups gnomAD compares: East Asian, 0.0089%; no homozygotes.

Submissions (2):

PreventionGenetics, part of Exact Sciences
Classification: Uncertain significance for CFAP410-related condition. Last evaluated: 2025-10-13. Review status: criteria provided, single submitter. Criteria: ACMG Guidelines, 2015. Collection method: clinical testing. Allele origin: germline.
Comment: The CFAP410 c.646G>A variant is predicted to result in the amino acid substitution p.Val216Ile. To our knowledge, this variant has not been reported in the literature. This variant is reported in 0.0088% of alleles in individuals of Latino descent in gnomAD. At this time, the clinical significance of this variant is uncertain due to the absence of conclusive functional and genetic evidence.

Labcorp Genetics (formerly Invitae), Labcorp
Classification: Uncertain significance. Last evaluated: 2025-03-17. Review status: criteria provided, single submitter. Criteria: Invitae Variant Classification Sherloc (09022015). Collection method: clinical testing. Allele origin: germline.
Comment: This sequence change replaces valine, which is neutral and non-polar, with isoleucine, which is neutral and non-polar, at codon 216 of the CFAP410 protein (p.Val216Ile). This variant is present in population databases (rs756429410, gnomAD 0.009%). This variant has not been reported in the literature in individuals affected with CFAP410-related conditions. ClinVar contains an entry for this variant (Variation ID: 1000758). An algorithm developed to predict the effect of missense changes on protein structure and function outputs the following: PolyPhen-2: "Benign". The isoleucine amino acid residue is found in multiple mammalian species, which suggests that this missense change does not adversely affect protein function. In summary, the available evidence is currently insufficient to determine the role of this variant in disease. Therefore, it has been classified as a Variant of Uncertain Significance.

NM_004928.3(CFAP410):c.646G>A (p.Val216Ile)

Gene: CFAP410 (cilia and flagella associated protein 410; minus strand). Cytogenetic location: 21q22.3.
Variant type: single nucleotide variant.
Coding change: c.646G>A on transcript NM_004928.3 (MANE Select); coding-DNA position 646, G replaced by A.
Protein change: p.Val216Ile; replaces valine 216 with isoleucine.
Molecular consequence: missense variant.
Genome position (GRCh38, 1-based): chr21:44,330,323, C>T on the plus strand (G>A on the coding strand, the complement: CFAP410 is on the minus strand). VCF-style: chr21-44330323-C-T. GRCh37 (hg19) VCF-style: chr21-45750206-C-T.
Other names: c.643G>A, p.Val215Ile (NM_001271440.2); c.1003G>A, p.Val335Ile (NM_001271441.2); c.520G>A, p.Val174Ile (NM_001271442.1); c.646G>A (NM_004928.2); short protein forms V174I, V215I, V216I, V335I.
Identifiers: ClinVar variation 1000758 (VCV001000758.9), dbSNP rs756429410, ClinGen allele CA10053495.
Genomic context (GRCh38, chr21:44,330,323, plus strand): 5'-GCACGGCCTCCAGCCCCTCTGCATCCAGCTCCCGCAGCAGCAGCAGGATGGCAGTCAGGA[C>T]GTTCTGAGGGCAGAGGGGTGCGGACTAAGCCCACCCGGCACGGCGAGGCTGCTTCCCTCC-3'
Protein context (NP_004919.1, residues 206-226): DASSSHRGRN[Val216Ile]LTAILLLLRE